The following is an entry in ClinVar:

NM_000057.4(BLM):c.406C>A (p.Leu136Ile)

Gene: BLM (BLM RecQ like helicase; plus strand). Cytogenetic location: 15q26.1.
Variant type: single nucleotide variant.
Coding change: c.406C>A on transcript NM_000057.4 (MANE Select); coding-DNA position 406, C replaced by A.
Protein change: p.Leu136Ile; replaces leucine 136 with isoleucine.
Molecular consequence: missense variant. On other transcripts: 5 prime UTR variant (1).
Genome position (GRCh38, 1-based): chr15:90,749,674, C>A. VCF-style: chr15-90749674-C-A. GRCh37 (hg19) VCF-style: chr15-91292904-C-A.
Other names: c.406C>A, p.Leu136Ile (NM_001287247.2, NM_001287246.2); c.-886C>A (NM_001287248.2); short protein forms L136I.
Identifiers: ClinVar variation 3991694 (VCV003991694.1).
Genomic context (GRCh38, chr15:90,749,674, plus strand): 5'-AAGGAAGTTGTATGCACTACCCAAAACACACCAACTGTAAAGAAATCCCGGGATACTGCT[C>A]TCAAGAAATTAGAATTTAGTTCTTCACCAGATTCTTTAAGTACCATCAATGATTGGGATG-3'
Protein context (NP_000048.1, residues 126-146): PTVKKSRDTA[Leu136Ile]KKLEFSSSPD

ClinVar aggregate classification (germline): Uncertain significance (1 of 4 stars; one submission).

Conditions:
Hereditary cancer-predisposing syndrome. Also called: Tumor predisposition; Hereditary neoplastic syndrome; Neoplastic Syndromes, Hereditary; Hereditary Cancer Syndrome. Identifiers: Orphanet 140162, MedGen C0027672, MeSH D009386, MONDO:0015356.

Submission:

Ambry Genetics
Classification: Uncertain significance for Hereditary cancer-predisposing syndrome. Last evaluated: 2025-06-07. Review status: criteria provided, single submitter. Criteria: Ambry Variant Classification Scheme 2023. Collection method: clinical testing. Allele origin: germline.
Comment: The p.L136I variant (also known as c.406C>A), located in coding exon 2 of the BLM gene, results from a C to A substitution at nucleotide position 406. The leucine at codon 136 is replaced by isoleucine, an amino acid with highly similar properties. This amino acid position is conserved. In addition, this alteration is predicted to be tolerated by in silico analysis. Based on the available evidence, the clinical significance of this variant remains unclear.